The following is an entry in ClinVar:

ClinVar aggregate classification (germline): Likely pathogenic (1 of 4 stars; one submission).

Conditions:
Intellectual developmental disorder, autosomal dominant 50, with behavioral abnormalities. Also called: Intellectual disability, autosomal dominant 50; MENTAL RETARDATION, AUTOSOMAL DOMINANT 50. Identifiers: MedGen C4540470, MONDO:0030916, OMIM 617787.

Submission:

MGZ Medical Genetics Center
Classification: Likely pathogenic for Intellectual developmental disorder, autosomal dominant 50, with behavioral abnormalities. Last evaluated: 2022-07-26. Review status: criteria provided, single submitter. Criteria: ACMG Guidelines, 2015. Collection method: clinical testing. Allele origin: germline. Affected: yes. Observed: 1 variant allele.
Comment: ACMG criteria applied: PVS1, PM2_SUP

NM_057175.5(NAA15):c.139_139+1dup

Gene: NAA15 (N-alpha-acetyltransferase 15, NatA auxiliary subunit; plus strand). Cytogenetic location: 4q31.1.
Variant type: Duplication.
Coding change: c.139_139+1dup on transcript NM_057175.5 (MANE Select); coding-DNA position 139 through the canonical splice donor site of the intron after coding-DNA position 139, 2 bases duplicated (GG; older notation c.139_139+1dupGG).
Molecular consequence: splice donor variant.
Genome position (GRCh38, 1-based): chr4:139,334,258-139,334,259, GG duplicated. VCF-style (leftmost placement, unchanged base first): chr4-139334257-A-AGG. GRCh37 (hg19) VCF-style: chr4-140255411-A-AGG.
Other names: c.139+1_139+2insGG (NM_057175.5).
Identifiers: ClinVar variation 1709505 (VCV001709505.2), dbSNP rs2530351729, ClinGen allele CA2580071546.
Genomic context (GRCh38, chr4:139,334,257, plus strand): 5'-TAGAAATGGATTGAAATTCTGTAAACAAATACTTTCTAATCCCAAATTTGCAGAGCATGG[A>AGG]GGTAAGTGCAAGTAGATAAAGCTTTACTACATACCTGTCTGGCCTCTCTTACTGGATTGT-3'